The following is an entry in ClinVar:

NM_001271696.3(ABCB7):c.334-7del

Gene: ABCB7 (ATP binding cassette subfamily B member 7; minus strand). Cytogenetic location: Xq13.3.
Variant type: Deletion.
Coding change: c.334-7del on transcript NM_001271696.3 (MANE Select); 7 bases into the intron before coding-DNA position 334, one base deleted (T; older notation c.334-7delT).
Molecular consequence: intron variant.
Genome position (GRCh38, 1-based): chrX:75,099,068, A deleted on the plus strand (T on the coding strand, the reverse complement: ABCB7 is on the minus strand); the first of 3 consecutive A bases (chrX:75,099,068-75,099,070); deleting any one gives the same sequence. VCF-style (leftmost placement, unchanged base first): chrX-75099067-GA-G. GRCh37 (hg19) VCF-style: chrX-74318902-GA-G.
Other names: c.256-7del (NM_001271698.3); c.333+13818del (NM_001271697.3); c.336+13818del (NM_001271699.3); c.337-7del (NM_004299.6); c.337-7delT (NM_004299.3).
Identifiers: ClinVar variation 417996 (VCV000417996.5), dbSNP rs772845174, ClinGen allele CA10455539.

ClinVar aggregate classification (germline): Likely benign. Review status: criteria provided, multiple submitters, no conflicts (2 of 4 stars). 2 submissions from 2 submitters: Likely benign (2). Last evaluated 2023-12-19.

Submissions (2):

Labcorp Genetics (formerly Invitae), Labcorp
Classification: Likely benign. Last evaluated: 2023-12-19. Review status: criteria provided, single submitter. Criteria: Invitae Variant Classification Sherloc (09022015). Collection method: clinical testing. Allele origin: germline.

GeneDx
Classification: Likely benign. Last evaluated: 2016-07-01. Review status: criteria provided, single submitter. Criteria: GeneDx Variant Classification (06012015). Collection method: clinical testing. Allele origin: germline. Affected: yes.
Comment: This variant is considered likely benign or benign based on one or more of the following criteria: it is a conservative change, it occurs at a poorly conserved position in the protein, it is predicted to be benign by multiple in silico algorithms, and/or has population frequency not consistent with disease.